The following is an entry in ClinVar:

NM_000135.4(FANCA):c.1267C>T (p.Gln423Ter)

Gene: FANCA (FA complementation group A; minus strand). Cytogenetic location: 16q24.3.
Variant type: single nucleotide variant.
Coding change: c.1267C>T on transcript NM_000135.4 (MANE Select); coding-DNA position 1267, C replaced by T.
Protein change: p.Gln423Ter; replaces glutamine 423 with a stop codon.
Molecular consequence: nonsense.
Genome position (GRCh38, 1-based): chr16:89,791,495, G>A on the plus strand (C>T on the coding strand, the complement: FANCA is on the minus strand). VCF-style: chr16-89791495-G-A. GRCh37 (hg19) VCF-style: chr16-89857903-G-A.
Other names: c.1267C>T, p.Gln423Ter (NM_001286167.3); c.1267C>T (LRG_495t1); short protein forms Q423*.
Identifiers: ClinVar variation 558318 (VCV000558318.6), dbSNP rs774026652, ClinGen allele CA8252420.

ClinVar aggregate classification (germline): Pathogenic. Review status: criteria provided, single submitter (1 of 4 stars). 3 submissions from 3 submitters: Pathogenic (1). 2 of the submissions do not count toward it. Last evaluated 2021-09-15.

Conditions:
Fanconi anemia complementation group A (FANCA). Also called: Fanconi anemia, group A; FANCA-Related Fanconi Anemia. Identifiers: Orphanet 84, MedGen C3469521, MONDO:0009215, OMIM 227650.

Allele frequency attached by ClinVar (database versions not stated): gnomAD exomes below 0.00001; ExAC 0.00001.
gnomAD v4.1: 2 of 1,614,152 alleles (0.00012%); highest among the groups gnomAD compares: Non-Finnish European, 0.00017%; no homozygotes.

Submissions (3):

Institute of Medical Genetics and Applied Genomics, University Hospital Tübingen
Classification: Pathogenic. Last evaluated: 2021-09-15. Review status: criteria provided, single submitter. Criteria: ACMG Guidelines, 2015. Collection method: clinical testing. Allele origin: germline. Inheritance: Autosomal recessive inheritance. Affected: yes.

Leiden Open Variation Database
Classification: Pathogenic for Fanconi anemia complementation group A. Last evaluated: 2020-02-28. Review status: no assertion criteria provided. Collection method: curation. Allele origin: germline. Affected: yes. Not counted in ClinVar's aggregate classification.
Comment: Curator: Arleen D. Auerbach. Submitter to LOVD: Arleen D. Auerbach.

Counsyl
Classification: Likely pathogenic for Fanconi anemia complementation group A. Last evaluated: 2018-05-14. Review status: no assertion criteria provided. Collection method: clinical testing. Allele origin: unknown. Not counted in ClinVar's aggregate classification.

Literature cited by the submitters: PubMed 15522956 (cited by Leiden Open Variation Database and Counsyl).